The following is an entry in ClinVar:

ClinVar aggregate classification (germline): Uncertain significance. Review status: criteria provided, multiple submitters, no conflicts (2 of 4 stars). 6 submissions from 6 submitters: Uncertain significance (4). 2 of the submissions do not count toward it. Last evaluated 2026-05-29.

Conditions:
SERPINA1-related disorder. Also called: SERPINA1-related condition; SerpinA1-related disorders.
Alpha-1-antitrypsin deficiency (A1ATD). Also called: Alpha1-Antitrypsin Deficiency; AAT deficiency; A1AT deficiency. Identifiers: Orphanet 60, MedGen C0221757, MONDO:0013282, OMIM 613490.
PI Z(BRISTOL).

Allele frequency attached by ClinVar (database versions not stated): gnomAD 0.00007 and 0.00006; 1000 Genomes Project 30x 0.00016; 1000 Genomes Project 0.00020; gnomAD exomes 0.00003; ExAC 0.00004; TOPMed 0.00005.

Submissions (6):

PreventionGenetics, part of Exact Sciences
Classification: Uncertain significance for SERPINA1-related condition. Last evaluated: 2026-05-29. Review status: criteria provided, single submitter. Criteria: ACMG Guidelines, 2015. Collection method: clinical testing. Allele origin: germline.
Comment: The SERPINA1 c.326C>T variant is predicted to result in the amino acid substitution p.Thr109Met. This variant, also known as p.Thr85Met or Pi*Z(Bristol) using legacy nomenclature, has been reported in the homozygous and compound heterozygous state in two individuals with reduced serum Alpha-1-antitrypsin levels, although symptoms were reportedly mild or atypical for Alpha-1-antitrypsin deficiency (Bates et al. 2013. PubMed ID: 23858502; Wan et al. 2023. DOI:10.1016/j.pathol.2022.12.309). This variant has also been reported in the heterozygous state in an individual with suspected intrahepatic cholestasis and in a family with three perinatal deaths due to acute liver failure, although the variant did not segregate with disease in this family (Lovegrove et al. 1997. PubMed ID: 9459000; Hahn et al. 2024. PubMed ID: 38323732). However, isoelectrofocusing and immunofixation (IEF) studies show this variant is more basic than the Z allele and results in an abnormal pattern of isoforms (Lovegrove et al. 1997. PubMed ID: 9459000). This variant is reported in 0.0080% of alleles in individuals of African descent in gnomAD. At this time, the clinical significance of this variant is uncertain due to the absence of conclusive functional and genetic evidence.

Blueprint Genetics
Classification: Uncertain significance. Last evaluated: 2024-11-07. Review status: criteria provided, single submitter. Criteria: ACMG Guidelines, 2015. Collection method: clinical testing. Allele origin: germline.

Fulgent Genetics
Classification: Uncertain significance for Alpha-1-antitrypsin deficiency. Last evaluated: 2022-03-24. Review status: criteria provided, single submitter. Criteria: ACMG Guidelines, 2015. Collection method: clinical testing. Allele origin: unknown.

Eurofins Ntd Llc (ga)
Classification: Uncertain significance. Last evaluated: 2018-02-04. Review status: criteria provided, single submitter. Criteria: EGL Classification Definitions 2015. Collection method: clinical testing. Allele origin: germline. Observed: 1 variant allele, 1 heterozygote.

OMIM
Classification: other for PI Z(BRISTOL). Last evaluated: 2016-07-15. Review status: no assertion criteria provided. Collection method: literature only. Allele origin: germline. Not counted in ClinVar's aggregate classification.

Department of Laboratory Medicine and Genetics, Trillium Health Partners Credit Valley Hospital
Classification: Likely pathogenic for Alpha-1-antitrypsin deficiency. Last evaluated: 2014-12-08. Review status: no assertion criteria provided. Collection method: curation. Allele origin: germline. Affected: yes. Not counted in ClinVar's aggregate classification.

Literature cited by the submitters: PubMed 9459000 (cited by OMIM).

NM_001127701.1(SERPINA1):c.326C>T (p.Thr109Met)

Gene: SERPINA1 (serpin family A member 1; minus strand). Cytogenetic location: 14q32.13.
Variant type: single nucleotide variant.
Coding change: c.326C>T on transcript NM_001127701.1; coding-DNA position 326, C replaced by T.
Protein change: p.Thr109Met; replaces threonine 109 with methionine.
Molecular consequence: missense variant (on NM_000295.5).
Genome position (GRCh38, 1-based): chr14:94,382,912, G>A on the plus strand (C>T on the coding strand, the complement: SERPINA1 is on the minus strand). VCF-style: chr14-94382912-G-A. GRCh37 (hg19) VCF-style: chr14-94849249-G-A.
Other names: T85M; SERPINA1, THR85MET ON M1V; c.326C>T, p.Thr109Met (NM_000295.5, NM_001002235.3, NM_001002236.3 and 8 more transcripts); short protein forms T109M.
Identifiers: ClinVar variation 17993 (VCV000017993.9), dbSNP rs199422213, ClinGen allele CA127741.